The following is an entry in ClinVar:

NM_000179.3(MSH6):c.535G>T (p.Ala179Ser)

Gene: MSH6 (mutS homolog 6; plus strand). Cytogenetic location: 2p16.3.
Variant type: single nucleotide variant.
Coding change: c.535G>T on transcript NM_000179.3 (MANE Select); coding-DNA position 535, G replaced by T.
Protein change: p.Ala179Ser; replaces alanine 179 with serine.
Molecular consequence: missense variant. On other transcripts: intron variant (2), 5 prime UTR variant (1).
Genome position (GRCh38, 1-based): chr2:47,795,971, G>T. VCF-style: chr2-47795971-G-T. GRCh37 (hg19) VCF-style: chr2-48023110-G-T.
Other names: c.-279-2640G>T (NM_001281493.2); c.238-2640G>T (NM_001281492.2); c.-368G>T (NM_001281494.2); short protein forms A179S.
Identifiers: ClinVar variation 141525 (VCV000141525.28), dbSNP rs587781817, ClinGen allele CA015824.

ClinVar aggregate classification (germline): Uncertain significance. Review status: criteria provided, multiple submitters, no conflicts (2 of 4 stars). 7 submissions from 7 submitters: Uncertain significance (6). 1 of the submissions does not count toward it. Last evaluated 2025-10-31.

Conditions:
Hereditary nonpolyposis colorectal neoplasms. Identifiers: MedGen C0009405, MeSH D003123.
Hereditary cancer-predisposing syndrome. Also called: Neoplastic Syndromes, Hereditary; Tumor predisposition; Hereditary Cancer Syndrome; Hereditary neoplastic syndrome. Identifiers: Orphanet 140162, MedGen C0027672, MeSH D009386, MONDO:0015356.
Lynch syndrome. Identifiers: Orphanet 144, MedGen C4552100, MONDO:0005835. Disease mechanism: loss of function.
Lynch syndrome 5 (LYNCH5). Also called: Colorectal cancer, hereditary nonpolyposis, type 5; Hereditary non-polyposis colorectal cancer, type 5. Identifiers: Orphanet 144, MedGen C1833477, MONDO:0013710, OMIM 614350. Disease mechanism: loss of function.

Allele frequency attached by ClinVar (database versions not stated): gnomAD exomes below 0.00001; TOPMed below 0.00001.
gnomAD v4.1: 1 of 1,614,148 alleles (0.000062%); highest among the groups gnomAD compares: Non-Finnish European, 0.000085%; no homozygotes.

Submissions (7):

Women's Health and Genetics/Laboratory Corporation of America, LabCorp
Classification: Uncertain significance. Last evaluated: 2025-10-31. Review status: criteria provided, single submitter. Criteria: LabCorp Variant Classification Summary - May 2015. Collection method: clinical testing. Allele origin: germline.

Labcorp Genetics (formerly Invitae), Labcorp
Classification: Uncertain significance for Hereditary nonpolyposis colorectal neoplasms. Last evaluated: 2025-03-19. Review status: criteria provided, single submitter. Criteria: Invitae Variant Classification Sherloc (09022015). Collection method: clinical testing. Allele origin: germline.
Comment: This sequence change replaces alanine, which is neutral and non-polar, with serine, which is neutral and polar, at codon 179 of the MSH6 protein (p.Ala179Ser). This variant is not present in population databases (gnomAD no frequency). This variant has not been reported in the literature in individuals affected with MSH6-related conditions. ClinVar contains an entry for this variant (Variation ID: 141525). Invitae Evidence Modeling of protein sequence and biophysical properties (such as structural, functional, and spatial information, amino acid conservation, physicochemical variation, residue mobility, and thermodynamic stability) indicates that this missense variant is not expected to disrupt MSH6 protein function with a negative predictive value of 95%. In summary, the available evidence is currently insufficient to determine the role of this variant in disease. Therefore, it has been classified as a Variant of Uncertain Significance.

All of Us Research Program, National Institutes of Health
Classification: Uncertain significance for Lynch syndrome. Last evaluated: 2024-03-05. Review status: criteria provided, single submitter. Criteria: ACMG Guidelines, 2015. Collection method: clinical testing. Allele origin: germline. Inheritance: Autosomal dominant inheritance. Observed: 1 variant allele, 1 heterozygote.
Comment: This study involves interpretation of variants in research participants for the purpose of population health screening. Participant phenotype was not available at the time of variant classification. Additional details can be found in publication PMID: 35346344, PMCID: PMC8962531

Color Diagnostics, LLC DBA Color Health
Classification: Uncertain significance for Hereditary cancer-predisposing syndrome. Last evaluated: 2023-12-04. Review status: criteria provided, single submitter. Criteria: ACMG Guidelines, 2015. Collection method: clinical testing. Allele origin: germline.
Comment: This missense variant replaces alanine with serine at codon 179 of the MSH6 protein. Computational prediction suggests that this variant may not impact protein structure and function (internally defined REVEL score threshold <= 0.5, PMID: 27666373). To our knowledge, functional studies have not been reported for this variant. This variant has not been reported in individuals affected with MSH6-related disorders in the literature. This variant has not been identified in the general population by the Genome Aggregation Database (gnomAD). The available evidence is insufficient to determine the role of this variant in disease conclusively. Therefore, this variant is classified as a Variant of Uncertain Significance.

Ambry Genetics
Classification: Uncertain significance for Hereditary cancer-predisposing syndrome. Last evaluated: 2023-05-10. Review status: criteria provided, single submitter. Criteria: Ambry Variant Classification Scheme 2023. Collection method: clinical testing. Allele origin: germline.
Comment: The p.A179S variant (also known as c.535G>T), located in coding exon 3 of the MSH6 gene, results from a G to T substitution at nucleotide position 535. The alanine at codon 179 is replaced by serine, an amino acid with similar properties. This amino acid position is highly conserved in available vertebrate species. In addition, the in silico prediction for this alteration is inconclusive. Since supporting evidence is limited at this time, the clinical significance of this alteration remains unclear.

Myriad Genetics, Inc.
Classification: Uncertain significance for Lynch syndrome 5. Last evaluated: 2023-03-29. Review status: criteria provided, single submitter. Criteria: Myriad Autosomal Dominant, Autosomal Recessive and X-Linked Classification Criteria (2023). Collection method: clinical testing. Allele origin: unknown.
Comment: This variant is classified as a variant of uncertain significance as there is insufficient evidence to determine its impact on protein function and/or cancer risk.

Counsyl
Classification: Uncertain significance for Lynch syndrome 5. Last evaluated: 2016-03-08. Review status: no assertion criteria provided. Collection method: clinical testing. Allele origin: unknown. Not counted in ClinVar's aggregate classification.